The following is an entry in ClinVar:

NM_000193.4(SHH):c.585G>T (p.Ser195=)

Gene: SHH (sonic hedgehog signaling molecule; minus strand). Cytogenetic location: 7q36.3.
Variant type: single nucleotide variant.
Coding change: c.585G>T on transcript NM_000193.4 (MANE Select); coding-DNA position 585, G replaced by T.
Protein change: p.Ser195=; no amino-acid change (serine 195 retained).
Molecular consequence: synonymous variant. On other transcripts: intron variant (1).
Genome position (GRCh38, 1-based): chr7:155,803,704, C>A on the plus strand (G>T on the coding strand, the complement: SHH is on the minus strand). VCF-style: chr7-155803704-C-A. GRCh37 (hg19) VCF-style: chr7-155596398-C-A.
Other names: c.301+2592G>T (NM_001310462.2); c.585G>T (NM_000193.3).
Identifiers: ClinVar variation 2886140 (VCV002886140.5), dbSNP rs372353493, ClinGen allele CA4586972.

ClinVar aggregate classification (germline): Likely benign. Review status: criteria provided, single submitter (1 of 4 stars). 2 submissions from 2 submitters: Likely benign (1). 1 of the submissions does not count toward it. Last evaluated 2023-03-30.

Conditions:
Holoprosencephaly 3 (HPE3). Identifiers: Orphanet 2162, MedGen C1840529, MONDO:0007733, OMIM 142945.
SHH-related disorder. Also called: SHH-related disorders; SHH-related condition.

Allele frequency attached by ClinVar (database versions not stated): ESP Exome Variant Server 0.00008.
gnomAD v4.1: 17 of 1,597,458 alleles (0.0011%); highest among the groups gnomAD compares: African/African-American, 0.017%; no homozygotes.

Submissions (2):

Labcorp Genetics (formerly Invitae), Labcorp
Classification: Likely benign for Holoprosencephaly 3. Last evaluated: 2023-03-30. Review status: criteria provided, single submitter. Criteria: Invitae Variant Classification Sherloc (09022015). Collection method: clinical testing. Allele origin: germline.

PreventionGenetics, part of Exact Sciences
Classification: Likely benign for SHH-related condition. Last evaluated: 2021-06-28. Review status: no assertion criteria provided. Collection method: clinical testing. Allele origin: germline. Not counted in ClinVar's aggregate classification.
Comment: This variant is classified as likely benign based on ACMG/AMP sequence variant interpretation guidelines (Richards et al. 2015 PMID: 25741868, with internal and published modifications).